The following is an entry in ClinVar:

NM_000043.6(FAS):c.828A>C (p.Gln276His)

Gene: FAS (Fas cell surface death receptor; plus strand). Cytogenetic location: 10q23.31.
Variant type: single nucleotide variant.
Coding change: c.828A>C on transcript NM_000043.6 (MANE Select); coding-DNA position 828, A replaced by C.
Protein change: p.Gln276His; replaces glutamine 276 with histidine.
Molecular consequence: missense variant. On other transcripts: 3 prime UTR variant (2), non-coding transcript variant (7).
Genome position (GRCh38, 1-based): chr10:89,014,270, A>C. VCF-style: chr10-89014270-A-C. GRCh37 (hg19) VCF-style: chr10-90774027-A-C.
Other names: c.*151A>C (NM_001320619.2); c.873A>C, p.Gln291His (NM_001410956.1); c.765A>C, p.Gln255His (NM_152871.4); c.*140A>C (NM_152872.4); short protein forms Q255H, Q291H, Q276H.
Identifiers: ClinVar variation 2001711 (VCV002001711.4), dbSNP rs1375193873, ClinGen allele CA377509904.

ClinVar aggregate classification (germline): Uncertain significance (1 of 4 stars; one submission).

Conditions:
Autoimmune lymphoproliferative syndrome type 1. Also called: AUTOIMMUNE LYMPHOPROLIFERATIVE SYNDROME, TYPE I, AUTOSOMAL DOMINANT. Identifiers: Orphanet 3261, MedGen C2717884, MONDO:0011158, OMIM 601859.

Submission:

Labcorp Genetics (formerly Invitae), Labcorp
Classification: Uncertain significance for Autoimmune lymphoproliferative syndrome. Last evaluated: 2022-07-13. Review status: criteria provided, single submitter. Criteria: Invitae Variant Classification Sherloc (09022015). Collection method: clinical testing. Allele origin: germline.
Comment: This sequence change replaces glutamine, which is neutral and polar, with histidine, which is basic and polar, at codon 276 of the FAS protein (p.Gln276His). This variant is not present in population databases (gnomAD no frequency). This variant has not been reported in the literature in individuals affected with FAS-related conditions. Algorithms developed to predict the effect of missense changes on protein structure and function are either unavailable or do not agree on the potential impact of this missense change (SIFT: "Not Available"; PolyPhen-2: "Probably Damaging"; Align-GVGD: "Not Available"). In summary, the available evidence is currently insufficient to determine the role of this variant in disease. Therefore, it has been classified as a Variant of Uncertain Significance.